The following is an entry in ClinVar:

NM_001197104.2(KMT2A):c.6342A>G (p.Gln2114=)

Gene: KMT2A (lysine methyltransferase 2A; plus strand). Cytogenetic location: 11q23.3.
Variant type: single nucleotide variant.
Coding change: c.6342A>G on transcript NM_001197104.2 (MANE Select); coding-DNA position 6342, A replaced by G.
Protein change: p.Gln2114=; no amino-acid change (glutamine 2114 retained).
Molecular consequence: synonymous variant.
Genome position (GRCh38, 1-based): chr11:118,501,694, A>G. VCF-style: chr11-118501694-A-G. GRCh37 (hg19) VCF-style: chr11-118372409-A-G.
Other names: c.6333A>G, p.Gln2111= (NM_005933.4).
Identifiers: ClinVar variation 745820 (VCV000745820.23), dbSNP rs374337395, ClinGen allele CA6304232.

ClinVar aggregate classification (germline): Likely benign. Review status: criteria provided, multiple submitters, no conflicts (2 of 4 stars). 3 submissions from 3 submitters: Likely benign (3). Last evaluated 2025-12-05.

Allele frequency attached by ClinVar (database versions not stated): ExAC 0.00006; ESP Exome Variant Server 0.00008; gnomAD exomes 0.00008 and 0.00021; gnomAD 0.00010; TOPMed 0.00010.
gnomAD v4.1: 313 of 1,613,356 alleles (0.019%); highest among the groups gnomAD compares: Non-Finnish European, 0.026%; no homozygotes.

Submissions (3):

Labcorp Genetics (formerly Invitae), Labcorp
Classification: Likely benign. Last evaluated: 2025-12-05. Review status: criteria provided, single submitter. Criteria: Invitae Variant Classification Sherloc (09022015). Collection method: clinical testing. Allele origin: germline.

Blueprint Genetics
Classification: Likely benign. Last evaluated: 2024-11-25. Review status: criteria provided, single submitter. Criteria: ACMG Guidelines, 2015. Collection method: clinical testing. Allele origin: germline.

CeGaT Center for Human Genetics Tuebingen
Classification: Likely benign. Last evaluated: 2024-10-01. Review status: criteria provided, single submitter. Criteria: CeGaT Center For Human Genetics Tuebingen Variant Classification Criteria Version 2. Collection method: clinical testing. Allele origin: germline. Affected: yes. Observed: 1 variant allele.
Comment: KMT2A: BP4, BP7